The following is an entry in ClinVar:

NM_020911.2(PLXNA4):c.*6G>A

Gene: PLXNA4 (plexin A4; minus strand). Cytogenetic location: 7q32.3.
Variant type: single nucleotide variant.
Coding change: c.*6G>A on transcript NM_020911.2 (MANE Select); 6 bases downstream of the stop codon, G replaced by A.
Molecular consequence: 3 prime UTR variant.
Genome position (GRCh38, 1-based): chr7:132,130,473, C>T on the plus strand (G>A on the coding strand, the complement: PLXNA4 is on the minus strand). VCF-style: chr7-132130473-C-T. GRCh37 (hg19) VCF-style: chr7-131815232-C-T.
Other names: c.*6G>A (NM_001393897.1).
Identifiers: ClinVar variation 3035988 (VCV003035988.2), dbSNP rs374306317, ClinGen allele CA4488826.

ClinVar aggregate classification (germline): Likely benign (0 of 4 stars; one submission).

Conditions:
PLXNA4-related disorder. Also called: PLXNA4-related condition.

Allele frequency attached by ClinVar (database versions not stated): ExAC 0.00004; gnomAD exomes 0.00005; gnomAD 0.00008; TOPMed 0.00010; ESP Exome Variant Server 0.00016.
gnomAD v4.1: 82 of 1,613,972 alleles (0.0051%); highest among the groups gnomAD compares: African/African-American, 0.021%; no homozygotes.

Submission:

PreventionGenetics, part of Exact Sciences
Classification: Likely benign for PLXNA4-related condition. Last evaluated: 2021-08-24. Review status: no assertion criteria provided. Collection method: clinical testing. Allele origin: germline.
Comment: This variant is classified as likely benign based on ACMG/AMP sequence variant interpretation guidelines (Richards et al. 2015 PMID: 25741868, with internal and published modifications).